The following is an entry in ClinVar:

NM_032382.4(COG8):c.-27A>C

Gene: COG8 (component of oligomeric golgi complex 8; minus strand). Cytogenetic location: 16q22.1.
Variant type: single nucleotide variant.
Coding change: c.-27A>C on transcript NM_032382.4; 27 bases upstream of the start codon, A replaced by C.
Genome position (GRCh38, 1-based): chr16:69,339,579, T>G on the plus strand (A>C on the coding strand, the complement: COG8 is on the minus strand). VCF-style: chr16-69339579-T-G. GRCh37 (hg19) VCF-style: chr16-69373482-T-G.
Identifiers: ClinVar variation 515747 (VCV000515747.3), dbSNP rs760358359, ClinGen allele CA8134105.
Genomic context (GRCh38, chr16:69,339,579, plus strand): 5'-TGGCTACCGATGGGATAGTCGCCGCGGTCGCCATCTTCCCAGCAACAACGTCACTTCCCT[T>G]CCGGACCACAAGGGGCGCTGACTCCGAACTTAGGACAGGAAGAAACAGGCACATTTCCGG-3'

ClinVar aggregate classification (germline): Likely benign (1 of 4 stars; one submission).

Allele frequency attached by ClinVar (database versions not stated): gnomAD 0.00005; TOPMed 0.00005.

Submission:

GeneDx
Classification: Likely benign. Last evaluated: 2018-03-07. Review status: criteria provided, single submitter. Criteria: GeneDx Variant Classification (06012015). Collection method: clinical testing. Allele origin: germline. Affected: yes.
Comment: This variant is considered likely benign or benign based on one or more of the following criteria: it is a conservative change, it occurs at a poorly conserved position in the protein, it is predicted to be benign by multiple in silico algorithms, and/or has population frequency not consistent with disease.